The following is an entry in ClinVar:

NM_004380.3(CREBBP):c.2165A>C (p.Asn722Thr)

Gene: CREBBP (CREB binding lysine acetyltransferase; minus strand). Cytogenetic location: 16p13.3.
Variant type: single nucleotide variant.
Coding change: c.2165A>C on transcript NM_004380.3 (MANE Select); coding-DNA position 2165, A replaced by C.
Protein change: p.Asn722Thr; replaces asparagine 722 with threonine.
Molecular consequence: missense variant.
Genome position (GRCh38, 1-based): chr16:3,774,687, T>G on the plus strand (A>C on the coding strand, the complement: CREBBP is on the minus strand). VCF-style: chr16-3774687-T-G. GRCh37 (hg19) VCF-style: chr16-3824688-T-G.
Other names: c.2051A>C, p.Asn684Thr (NM_001079846.1); short protein forms N684T, N722T.
Identifiers: ClinVar variation 3060956 (VCV003060956.3), dbSNP rs2053094594, ClinGen allele CA394553426.
Genomic context (GRCh38, chr16:3,774,687, plus strand): 5'-CGAGGTCCCATGGGTGCTTGTGGCAACTGGACGTTCCCCAAGGACATGGGGTTAAATGAA[T>G]TCATCCCTGTAAATGTACCCACAACGGTTCATTAGGAAAAGCACCCACAGGAAAACAGAA-3'
Protein context (NP_004371.2, residues 712-732): VNRMQVSQGM[Asn722Thr]SFNPMSLGNV

ClinVar aggregate classification (germline): Uncertain significance (1 of 4 stars; one submission).

Conditions:
CREBBP-related disorder. Also called: CREBBP-related condition; CREBBP-related disorders.

Submission:

PreventionGenetics, part of Exact Sciences
Classification: Uncertain significance for CREBBP-related condition. Last evaluated: 2025-05-02. Review status: criteria provided, single submitter. Criteria: ACMG Guidelines, 2015. Collection method: clinical testing. Allele origin: germline.
Comment: The CREBBP c.2165A>C variant is predicted to result in the amino acid substitution p.Asn722Thr. To our knowledge, this variant has not been reported in the literature or in a large population database, indicating this variant is rare. At this time, the clinical significance of this variant is uncertain due to the absence of conclusive functional and genetic evidence.